The following is an entry in ClinVar:

ClinVar aggregate classification (germline): Uncertain significance (1 of 4 stars; one submission).

Submission:

Labcorp Genetics (formerly Invitae), Labcorp
Classification: Uncertain significance. Last evaluated: 2023-02-24. Review status: criteria provided, single submitter. Criteria: Invitae Variant Classification Sherloc (09022015). Collection method: clinical testing. Allele origin: germline.
Comment: In summary, the available evidence is currently insufficient to determine the role of this variant in disease. Therefore, it has been classified as a Variant of Uncertain Significance. Advanced modeling of protein sequence and biophysical properties (such as structural, functional, and spatial information, amino acid conservation, physicochemical variation, residue mobility, and thermodynamic stability) performed at Invitae indicates that this missense variant is not expected to disrupt FAM111A protein function. This variant has not been reported in the literature in individuals affected with FAM111A-related conditions. This variant is not present in population databases (gnomAD no frequency). This sequence change replaces isoleucine, which is neutral and non-polar, with arginine, which is basic and polar, at codon 118 of the FAM111A protein (p.Ile118Arg).

NM_001312909.2(FAM111A):c.353T>G (p.Ile118Arg)

Gene: FAM111A (FAM111 trypsin like peptidase A; plus strand). Cytogenetic location: 11q12.1.
Variant type: single nucleotide variant.
Coding change: c.353T>G on transcript NM_001312909.2 (MANE Select); coding-DNA position 353, T replaced by G.
Protein change: p.Ile118Arg; replaces isoleucine 118 with arginine.
Molecular consequence: missense variant.
Genome position (GRCh38, 1-based): chr11:59,152,021, T>G. VCF-style: chr11-59152021-T-G. GRCh37 (hg19) VCF-style: chr11-58919494-T-G.
Other names: c.353T>G, p.Ile118Arg (NM_001374856.1, NM_001374857.1, NM_001374858.1 and 29 more transcripts); short protein forms I118R.
Identifiers: ClinVar variation 2990089 (VCV002990089.3), dbSNP rs138842520, ClinGen allele CA380772415.